The following is an entry in ClinVar:

NM_001080476.3(GRXCR1):c.774G>A (p.Met258Ile)

Gene: GRXCR1 (glutaredoxin and cysteine rich domain containing 1; plus strand). Cytogenetic location: 4p13.
Variant type: single nucleotide variant.
Coding change: c.774G>A on transcript NM_001080476.3 (MANE Select); coding-DNA position 774, G replaced by A.
Protein change: p.Met258Ile; replaces methionine 258 with isoleucine.
Molecular consequence: missense variant.
Genome position (GRCh38, 1-based): chr4:43,030,441, G>A. VCF-style: chr4-43030441-G-A. GRCh37 (hg19) VCF-style: chr4-43032458-G-A.
Other names: short protein forms M258I.
Identifiers: ClinVar variation 504594 (VCV000504594.11), dbSNP rs200029324, ClinGen allele CA2904529.

ClinVar aggregate classification (germline): Uncertain significance. Review status: criteria provided, multiple submitters, no conflicts (2 of 4 stars). 4 submissions from 4 submitters: Uncertain significance (4). Last evaluated 2025-07-12.

Conditions:
Inborn genetic diseases. Identifiers: MedGen C0950123, MeSH D030342.

Allele frequency attached by ClinVar (database versions not stated): ExAC 0.00006; gnomAD 0.00018 and 0.00021; ESP Exome Variant Server 0.00033; gnomAD exomes 0.00002 and 0.00004; 1000 Genomes Project 0.00020; 1000 Genomes Project 30x 0.00016; TOPMed 0.00020.
gnomAD v4.1: 53 of 1,613,972 alleles (0.0033%); highest among the groups gnomAD compares: African/African-American, 0.065%; 1 homozygote.

Submissions (4):

GeneDx
Classification: Uncertain significance. Last evaluated: 2025-07-12. Review status: criteria provided, single submitter. Criteria: GeneDx Variant Classification Process June 2021. Collection method: clinical testing. Allele origin: germline. Affected: yes.
Comment: In silico analysis suggests that this missense variant does not alter protein structure/function; Has not been previously published as pathogenic or benign to our knowledge

Ambry Genetics
Classification: Uncertain significance for Inborn genetic diseases. Last evaluated: 2024-09-25. Review status: criteria provided, single submitter. Criteria: Ambry Variant Classification Scheme 2023. Collection method: clinical testing. Allele origin: germline.

Labcorp Genetics (formerly Invitae), Labcorp
Classification: Uncertain significance. Last evaluated: 2021-08-31. Review status: criteria provided, single submitter. Criteria: Invitae Variant Classification Sherloc (09022015). Collection method: clinical testing. Allele origin: germline.
Comment: This sequence change replaces methionine with isoleucine at codon 258 of the GRXCR1 protein (p.Met258Ile). The methionine residue is moderately conserved and there is a small physicochemical difference between methionine and isoleucine. This variant is present in population databases (rs200029324, ExAC 0.07%). This variant has not been reported in the literature in individuals affected with GRXCR1-related conditions. ClinVar contains an entry for this variant (Variation ID: 504594). Algorithms developed to predict the effect of missense changes on protein structure and function are either unavailable or do not agree on the potential impact of this missense change (SIFT: "Tolerated"; PolyPhen-2: "Probably Damaging"; Align-GVGD: "Class C0"). In summary, the available evidence is currently insufficient to determine the role of this variant in disease. Therefore, it has been classified as a Variant of Uncertain Significance.

Laboratory for Molecular Medicine, Mass General Brigham Personalized Medicine
Classification: Uncertain significance. Last evaluated: 2016-05-21. Review status: criteria provided, single submitter. Criteria: LMM Criteria. Collection method: clinical testing. Allele origin: germline. Observed: 1 variant allele.
Comment: The p.Met258Ile variant in GRXCR1 has not been previously reported in individual s with hearing loss. This variant has been identified in 7/9808 African chromoso mes by the Exome Aggregation Consortium (ExAC; d bSNP rs200029324). Although this variant has been seen in the general population , its frequency is not high enough to rule out a pathogenic role. Computational prediction tools and conservation analyses do not provide strong support for or against an impact to the protein. In summary, the clinical significance of the p .Met258Ile variant is uncertain.